The following is an entry in ClinVar:

NM_004714.3(DYRK1B):c.1003G>A (p.Ala335Thr)

Gene: DYRK1B (dual specificity tyrosine phosphorylation regulated kinase 1B; minus strand). Cytogenetic location: 19q13.2.
Variant type: single nucleotide variant.
Coding change: c.1003G>A on transcript NM_004714.3 (MANE Select); coding-DNA position 1003, G replaced by A.
Protein change: p.Ala335Thr; replaces alanine 335 with threonine.
Molecular consequence: missense variant.
Genome position (GRCh38, 1-based): chr19:39,827,377, C>T on the plus strand (G>A on the coding strand, the complement: DYRK1B is on the minus strand). VCF-style: chr19-39827377-C-T. GRCh37 (hg19) VCF-style: chr19-40318017-C-T.
Other names: c.1003G>A, p.Ala335Thr (NM_006483.3, NM_006484.3); short protein forms A335T.
Identifiers: ClinVar variation 3045701 (VCV003045701.2), dbSNP rs776153492, ClinGen allele CA9434146.
Genomic context (GRCh38, chr19:39,827,377, plus strand): 5'-AGCCACCCCCAGGCAGCCGTTCAAAGTACTTGCGAGCCTTGGGCGCCTGGTCCAGCATGG[C>T]GGCCGGTGGGATGCCCAGCACCTCCACAATGCGGTTCATCTGGTCGACCTGTGAGCAGGC-3'
Protein context (NP_004705.1, residues 325-345): IVEVLGIPPA[Ala335Thr]MLDQAPKARK

ClinVar aggregate classification (germline): Uncertain significance (0 of 4 stars; one submission).

Conditions:
DYRK1B-related disorder. Also called: DYRK1B-related condition.

Allele frequency attached by ClinVar (database versions not stated): gnomAD 0.00001; gnomAD exomes 0.00001; TOPMed 0.00001; ExAC 0.00002.
gnomAD v4.1: 10 of 1,613,644 alleles (0.00062%); highest among the groups gnomAD compares: South Asian, 0.0011%; no homozygotes.

Submission:

PreventionGenetics, part of Exact Sciences
Classification: Uncertain significance for DYRK1B-related condition. Last evaluated: 2023-11-07. Review status: no assertion criteria provided. Collection method: clinical testing. Allele origin: germline.
Comment: The DYRK1B c.1003G>A variant is predicted to result in the amino acid substitution p.Ala335Thr. To our knowledge, this variant has not been reported in the literature. This variant is reported in 0.0026% of alleles in individuals of European (Non-Finnish) descent in gnomAD. At this time, the clinical significance of this variant is uncertain due to the absence of conclusive functional and genetic evidence.